The following is an entry in ClinVar:

ClinVar aggregate classification (germline): Uncertain significance (1 of 4 stars; one submission).

Conditions:
Hereditary cancer-predisposing syndrome. Also called: Hereditary neoplastic syndrome; Tumor predisposition; Neoplastic Syndromes, Hereditary; Hereditary Cancer Syndrome. Identifiers: Orphanet 140162, MedGen C0027672, MeSH D009386, MONDO:0015356.

Submission:

Sema4
Classification: Uncertain significance for Hereditary cancer-predisposing syndrome. Last evaluated: 2021-04-30. Review status: criteria provided, single submitter. Criteria: Sema4 Curation Guidelines. Collection method: curation. Allele origin: germline.
Comment: The GPC3 c.1721G>C (p.C574S) variant has not been reported in the literature to our knowledge. This variant was not observed in the Genome Aggregation Database. The variant has not been reported in Clinvar. In silico tools suggest the impact of the variant on protein function to be inconclusive, although these predictions have not been confirmed by functional studies. The overall evidence is insufficient to meet ACMG/AMP criteria for classifying it as benign or pathogenic. Thus, the clinical significance of this variant is currently uncertain.

NM_004484.4(GPC3):c.1721G>C (p.Cys574Ser)

Gene: GPC3 (glypican 3; minus strand). Cytogenetic location: Xq26.2.
Variant type: single nucleotide variant.
Coding change: c.1721G>C on transcript NM_004484.4 (MANE Select); coding-DNA position 1721, G replaced by C.
Protein change: p.Cys574Ser; replaces cysteine 574 with serine.
Molecular consequence: missense variant.
Genome position (GRCh38, 1-based): chrX:133,536,146, C>G on the plus strand (G>C on the coding strand, the complement: GPC3 is on the minus strand). VCF-style: chrX-133536146-C-G. GRCh37 (hg19) VCF-style: chrX-132670174-C-G.
Other names: c.1790G>C, p.Cys597Ser (NM_001164617.2); c.1673G>C, p.Cys558Ser (NM_001164618.2); c.1559G>C, p.Cys520Ser (NM_001164619.2); short protein forms C520S, C558S, C574S, C597S.
Identifiers: ClinVar variation 1692813 (VCV001692813.1), dbSNP rs2124257249, ClinGen allele CA414702405.